The following is an entry in ClinVar:

ClinVar aggregate classification (germline): Uncertain significance. Review status: criteria provided, multiple submitters, no conflicts (2 of 4 stars). 2 submissions from 2 submitters: Uncertain significance (2). Last evaluated 2025-06-22.

Conditions:
Inborn genetic diseases. Identifiers: MedGen C0950123, MeSH D030342.
Joubert syndrome 18 (JBTS18). Identifiers: Orphanet 2754, MedGen C3553758, MONDO:0013896, OMIM 614815.
Orofacial-digital syndrome IV (OFD4). Also called: BARAITSER-BURN SYNDROME; OFD SYNDROME WITH TIBIAL DEFECTS; OFD SYNDROME, BARAITSER-BURN TYPE; OFDS IV; ORAL-FACIAL-DIGITAL SYNDROME, TYPE IV; Orofaciodigital syndrome IV. Identifiers: Orphanet 2753, MedGen C0406727, MONDO:0009794, OMIM 258860.

gnomAD v4.1: 33 of 1,614,046 alleles (0.002%); highest among the groups gnomAD compares: Non-Finnish European, 0.0025%; no homozygotes.

Submissions (2):

Labcorp Genetics (formerly Invitae), Labcorp
Classification: Uncertain significance for Joubert syndrome 18; Orofacial-digital syndrome IV. Last evaluated: 2025-06-22. Review status: criteria provided, single submitter. Criteria: Invitae Variant Classification Sherloc (09022015). Collection method: clinical testing. Allele origin: germline.
Comment: This sequence change replaces threonine, which is neutral and polar, with isoleucine, which is neutral and non-polar, at codon 253 of the TCTN3 protein (p.Thr253Ile). This variant is present in population databases (rs748294327, gnomAD 0.004%). This variant has not been reported in the literature in individuals affected with TCTN3-related conditions. Invitae Evidence Modeling of protein sequence and biophysical properties (such as structural, functional, and spatial information, amino acid conservation, physicochemical variation, residue mobility, and thermodynamic stability) indicates that this missense variant is expected to disrupt TCTN3 protein function with a positive predictive value of 80%. Algorithms developed to predict the effect of sequence changes on RNA splicing suggest that this variant may create or strengthen a splice site. In summary, the available evidence is currently insufficient to determine the role of this variant in disease. Therefore, it has been classified as a Variant of Uncertain Significance.

Ambry Genetics
Classification: Uncertain significance for Inborn genetic diseases. Last evaluated: 2025-06-19. Review status: criteria provided, single submitter. Criteria: Ambry Variant Classification Scheme 2023. Collection method: clinical testing. Allele origin: germline.

NM_015631.6(TCTN3):c.758C>T (p.Thr253Ile)

Gene: TCTN3 (tectonic family member 3; minus strand). Cytogenetic location: 10q24.1.
Variant type: single nucleotide variant.
Coding change: c.758C>T on transcript NM_015631.6 (MANE Select); coding-DNA position 758, C replaced by T.
Protein change: p.Thr253Ile; replaces threonine 253 with isoleucine.
Molecular consequence: missense variant.
Genome position (GRCh38, 1-based): chr10:95,687,138, G>A on the plus strand (C>T on the coding strand, the complement: TCTN3 is on the minus strand). VCF-style: chr10-95687138-G-A. GRCh37 (hg19) VCF-style: chr10-97446895-G-A.
Other names: c.521C>T, p.Thr174Ile (NM_001143973.2); c.758C>T, p.Thr253Ile (NM_001410982.1); short protein forms T174I, T253I.
Identifiers: ClinVar variation 4181820 (VCV004181820.2).
Genomic context (GRCh38, chr10:95,687,138, plus strand): 5'-TTGAGGGCTGAATCCAAGGTACAGCTACTAGCCAGGTTCTTGAAAAAACGAGTGCAAGTT[G>A]TACTTTTACTCTCTAGGAAACCTTAAACACAAATAATTAAGAGAGTGGTAAATGAGAAAG-3'
Protein context (NP_056446.4, residues 243-263): NPAGFLESKS[Thr253Ile]TCTRFFKNLA